The following is an entry in ClinVar:

ClinVar aggregate classification (germline): Uncertain significance (1 of 4 stars; one submission).

Submission:

Labcorp Genetics (formerly Invitae), Labcorp
Classification: Uncertain significance. Last evaluated: 2023-08-22. Review status: criteria provided, single submitter. Criteria: Invitae Variant Classification Sherloc (09022015). Collection method: clinical testing. Allele origin: germline.
Comment: This sequence change replaces glutamine, which is neutral and polar, with proline, which is neutral and non-polar, at codon 1204 of the ERCC6 protein (p.Gln1204Pro). In summary, the available evidence is currently insufficient to determine the role of this variant in disease. Therefore, it has been classified as a Variant of Uncertain Significance. Advanced modeling of protein sequence and biophysical properties (such as structural, functional, and spatial information, amino acid conservation, physicochemical variation, residue mobility, and thermodynamic stability) performed at Invitae indicates that this missense variant is not expected to disrupt ERCC6 protein function. This variant has not been reported in the literature in individuals affected with ERCC6-related conditions. This variant is not present in population databases (gnomAD no frequency).

NM_000124.4(ERCC6):c.3611A>C (p.Gln1204Pro)

Gene: ERCC6 (ERCC excision repair 6, chromatin remodeling factor; minus strand). Cytogenetic location: 10q11.23.
Variant type: single nucleotide variant.
Coding change: c.3611A>C on transcript NM_000124.4 (MANE Select); coding-DNA position 3611, A replaced by C.
Protein change: p.Gln1204Pro; replaces glutamine 1204 with proline.
Molecular consequence: missense variant.
Genome position (GRCh38, 1-based): chr10:49,470,349, T>G on the plus strand (A>C on the coding strand, the complement: ERCC6 is on the minus strand). VCF-style: chr10-49470349-T-G. GRCh37 (hg19) VCF-style: chr10-50678395-T-G.
Other names: c.3611A>C, p.Gln1204Pro (NM_001346440.2); short protein forms Q1204P.
Identifiers: ClinVar variation 3007033 (VCV003007033.1), dbSNP rs2495971100, ClinGen allele CA376713380.
Genomic context (GRCh38, chr10:49,470,349, plus strand): 5'-TGTGGAATTCGAGTTCCTTCAAACTTGGCGTCTCTGCAATGCTTAGAGTTCTTAGGCTTT[T>G]GCTTTGGTCTCAGATGTTTCTCCAGGGTCTCTTCTTCTGCCACACTATGATGTTTTGTTT-3'
Protein context (NP_000115.1, residues 1194-1214): ETLEKHLRPK[Gln1204Pro]KPKNSKHCRD